The following is an entry in ClinVar:

NM_017775.4(TTC19):c.865C>T (p.Leu289=)

Gene: TTC19 (tetratricopeptide repeat domain 19; plus strand). Cytogenetic location: 17p12.
Variant type: single nucleotide variant.
Coding change: c.865C>T on transcript NM_017775.4 (MANE Select); coding-DNA position 865, C replaced by T.
Protein change: p.Leu289=; no amino-acid change (leucine 289 retained).
Molecular consequence: synonymous variant.
Genome position (GRCh38, 1-based): chr17:16,026,573, C>T. VCF-style: chr17-16026573-C-T. GRCh37 (hg19) VCF-style: chr17-15929887-C-T.
Other names: c.544C>T, p.Leu182= (NM_001271420.2).
Identifiers: ClinVar variation 725634 (VCV000725634.11), dbSNP rs138508099, ClinGen allele CA8407551.

ClinVar aggregate classification (germline): Likely benign. Review status: criteria provided, multiple submitters, no conflicts (2 of 4 stars). 3 submissions from 3 submitters: Likely benign (2). 1 of the submissions does not count toward it. Last evaluated 2025-09-08.

Conditions:
TTC19-related disorder. Also called: TTC19-related condition.

Allele frequency attached by ClinVar (database versions not stated): ESP Exome Variant Server 0.00008; gnomAD 0.00008 and 0.00009; ExAC 0.00012; gnomAD exomes 0.00012 and 0.00015; TOPMed 0.00016.
gnomAD v4.1: 231 of 1,614,022 alleles (0.014%); highest among the groups gnomAD compares: Admixed American, 0.018%; no homozygotes.

Submissions (3):

Labcorp Genetics (formerly Invitae), Labcorp
Classification: Likely benign. Last evaluated: 2025-09-08. Review status: criteria provided, single submitter. Criteria: Invitae Variant Classification Sherloc (09022015). Collection method: clinical testing. Allele origin: germline.

GeneDx
Classification: Likely benign. Last evaluated: 2021-06-08. Review status: criteria provided, single submitter. Criteria: GeneDx Variant Classification Process June 2021. Collection method: clinical testing. Allele origin: germline. Affected: yes.

PreventionGenetics, part of Exact Sciences
Classification: Likely benign for TTC19-related condition. Last evaluated: 2019-07-12. Review status: no assertion criteria provided. Collection method: clinical testing. Allele origin: germline. Not counted in ClinVar's aggregate classification.
Comment: This variant is classified as likely benign based on ACMG/AMP sequence variant interpretation guidelines (Richards et al. 2015 PMID: 25741868, with internal and published modifications).